The following is an entry in ClinVar:

ClinVar aggregate classification (germline): Uncertain significance. Review status: criteria provided, multiple submitters, no conflicts (2 of 4 stars). 2 submissions from 2 submitters: Uncertain significance (2). Last evaluated 2024-11-02.

Allele frequency attached by ClinVar (database versions not stated): gnomAD 0.00005; TOPMed 0.00006.
gnomAD v4.1: 11 of 1,462,434 alleles (0.00075%); highest among the groups gnomAD compares: African/African-American, 0.015%; no homozygotes.

Submissions (2):

GeneDx
Classification: Uncertain significance. Last evaluated: 2024-11-02. Review status: criteria provided, single submitter. Criteria: GeneDx Variant Classification Process June 2021. Collection method: clinical testing. Allele origin: germline. Affected: yes.
Comment: In silico analysis indicates that this missense variant does not alter protein structure/function; Has not been previously published as pathogenic or benign to our knowledge

Labcorp Genetics (formerly Invitae), Labcorp
Classification: Uncertain significance. Last evaluated: 2022-06-13. Review status: criteria provided, single submitter. Criteria: Invitae Variant Classification Sherloc (09022015). Collection method: clinical testing. Allele origin: germline.
Comment: This sequence change replaces leucine, which is neutral and non-polar, with valine, which is neutral and non-polar, at codon 30 of the ABHD12 protein (p.Leu30Val). This variant is present in population databases (no rsID available, gnomAD 0.02%). In summary, the available evidence is currently insufficient to determine the role of this variant in disease. Therefore, it has been classified as a Variant of Uncertain Significance. Algorithms developed to predict the effect of missense changes on protein structure and function are either unavailable or do not agree on the potential impact of this missense change (SIFT: "Deleterious"; PolyPhen-2: "Benign"; Align-GVGD: "Class C0"). This variant has not been reported in the literature in individuals affected with ABHD12-related conditions.

NM_001042472.3(ABHD12):c.88C>G (p.Leu30Val)

Genes: ABHD12 (abhydrolase domain containing 12, lysophospholipase; minus strand), LOC130065586 (ATAC-STARR-seq lymphoblastoid silent region 12752; plus strand). Cytogenetic location: 20p11.21.
Variant type: single nucleotide variant.
Coding change: c.88C>G on transcript NM_001042472.3 (MANE Select); coding-DNA position 88, C replaced by G.
Protein change: p.Leu30Val; replaces leucine 30 with valine.
Molecular consequence: missense variant.
Genome position (GRCh38, 1-based): chr20:25,390,616, G>C on the plus strand (C>G on the coding strand, the complement: ABHD12 is on the minus strand). VCF-style: chr20-25390616-G-C. GRCh37 (hg19) VCF-style: chr20-25371252-G-C.
Other names: c.88C>G, p.Leu30Val (NM_015600.5); c.88C>G (NM_001042472.2); short protein forms L30V.
Identifiers: ClinVar variation 1417025 (VCV001417025.7), dbSNP rs981714159, ClinGen allele CA313686082.